The following is an entry in ClinVar:

NM_024597.4(MAP7D3):c.2162G>A (p.Arg721Gln)

Gene: MAP7D3 (MAP7 domain containing 3; minus strand). Cytogenetic location: Xq26.3.
Variant type: single nucleotide variant.
Coding change: c.2162G>A on transcript NM_024597.4 (MANE Select); coding-DNA position 2162, G replaced by A.
Protein change: p.Arg721Gln; replaces arginine 721 with glutamine.
Molecular consequence: missense variant.
Genome position (GRCh38, 1-based): chrX:136,224,858, C>T on the plus strand (G>A on the coding strand, the complement: MAP7D3 is on the minus strand). VCF-style: chrX-136224858-C-T. GRCh37 (hg19) VCF-style: chrX-135307017-C-T.
Other names: c.2108G>A, p.Arg703Gln (NM_001173516.1); c.2057G>A, p.Arg686Gln (NM_001173517.2); short protein forms R686Q, R703Q, R721Q.
Identifiers: ClinVar variation 4549679 (VCV004549679.1).

ClinVar aggregate classification (germline): Uncertain significance (1 of 4 stars; one submission).

Submission:

Ambry Genetics
Classification: Uncertain significance. Last evaluated: 2025-10-21. Review status: criteria provided, single submitter. Criteria: Ambry Variant Classification Scheme 2023. Collection method: clinical testing. Allele origin: germline.
Comment: The c.2162G>A (p.R721Q) alteration is located in exon 14 (coding exon 14) of the MAP7D3 gene. This alteration results from a G to A substitution at nucleotide position 2162, causing the arginine (R) at amino acid position 721 to be replaced by a glutamine (Q). Based on data from gnomAD, the A allele has an overall frequency of 0.003% (5/199626) total alleles studied. The highest observed frequency was 0.007% (2/27459) of Latino alleles. Based on insufficient or conflicting evidence, the clinical significance of this alteration remains unclear.